The following is an entry in ClinVar:

NM_001164508.2(NEB):c.14370G>A (p.Pro4790=)

Gene: NEB (nebulin; minus strand). Cytogenetic location: 2q23.3.
Variant type: single nucleotide variant.
Coding change: c.14370G>A on transcript NM_001164508.2 (MANE Select); coding-DNA position 14370, G replaced by A.
Protein change: p.Pro4790=; no amino-acid change (proline 4790 retained).
Molecular consequence: synonymous variant. On other transcripts: intron variant (1).
Genome position (GRCh38, 1-based): chr2:151,594,154, C>T on the plus strand (G>A on the coding strand, the complement: NEB is on the minus strand). VCF-style: chr2-151594154-C-T. GRCh37 (hg19) VCF-style: chr2-152450668-C-T.
Other names: c.14370G>A, p.Pro4790= (NM_001164507.2, NM_001271208.2); c.11601+15655G>A (NM_004543.5).
Identifiers: ClinVar variation 932372 (VCV000932372.40), dbSNP rs747837704, ClinGen allele CA1908491.

ClinVar aggregate classification (germline): Likely benign. Review status: criteria provided, multiple submitters, no conflicts (2 of 4 stars). 2 submissions from 2 submitters: Likely benign (2). Last evaluated 2026-04-01.

Allele frequency attached by ClinVar (database versions not stated): ExAC 0.02143.

Submissions (2):

CeGaT Center for Human Genetics Tuebingen
Classification: Likely benign. Last evaluated: 2026-04-01. Review status: criteria provided, single submitter. Criteria: CeGaT Center For Human Genetics Tuebingen Variant Classification Criteria Version 2. Collection method: clinical testing. Allele origin: germline. Affected: yes. Observed: 8 variant alleles.
Comment: NEB: BP4, BP7

Blueprint Genetics
Classification: Likely benign. Last evaluated: 2024-11-20. Review status: criteria provided, single submitter. Criteria: ACMG Guidelines, 2015. Collection method: clinical testing. Allele origin: germline.